The following is an entry in ClinVar:

ClinVar aggregate classification (germline): Uncertain significance (1 of 4 stars; one submission).

Conditions:
Cystic fibrosis (CF). Also called: MUCOVISCIDOSIS. Identifiers: Orphanet 586, MedGen C0010674, MONDO:0009061, OMIM 219700. Disease mechanism: loss of function.

Allele frequency attached by ClinVar (database versions not stated): gnomAD exomes below 0.00001.
gnomAD v4.1: 2 of 1,613,320 alleles (0.00012%); highest among the groups gnomAD compares: East Asian, 0.0045%; no homozygotes.

Submission:

Ambry Genetics
Classification: Uncertain significance for Cystic fibrosis. Last evaluated: 2024-02-02. Review status: criteria provided, single submitter. Criteria: Ambry Variant Classification Scheme 2023. Collection method: clinical testing. Allele origin: germline.
Comment: The p.F1110C variant (also known as c.3329T>G), located in coding exon 20 of the CFTR gene, results from a T to G substitution at nucleotide position 3329. The phenylalanine at codon 1110 is replaced by cysteine, an amino acid with highly dissimilar properties. This amino acid position is highly conserved in available vertebrate species. In addition, this alteration is predicted to be deleterious by in silico analysis. Based on the available evidence, the clinical significance of this alteration remains unclear.

NM_000492.4(CFTR):c.3329T>G (p.Phe1110Cys)

Genes: CFTR (CF transmembrane conductance regulator; plus strand), CFTR-AS2 (CFTR antisense RNA 2; minus strand), LOC111674472 (DNase I hypersensitive sites in introns 16 and 17a of CFTR; plus strand). Cytogenetic location: 7q31.2.
Variant type: single nucleotide variant.
Coding change: c.3329T>G on transcript NM_000492.4 (MANE Select); coding-DNA position 3329, T replaced by G.
Protein change: p.Phe1110Cys; replaces phenylalanine 1110 with cysteine.
Molecular consequence: missense variant.
Genome position (GRCh38, 1-based): chr7:117,611,770, T>G. VCF-style: chr7-117611770-T-G. GRCh37 (hg19) VCF-style: chr7-117251824-T-G.
Other names: short protein forms F1110C.
Identifiers: ClinVar variation 3231883 (VCV003231883.1), dbSNP rs1792393211, ClinGen allele CA368992557.